The following is an entry in ClinVar:

NM_003640.5(ELP1):c.2545C>G (p.Pro849Ala)

Gene: ELP1 (elongator acetyltransferase complex subunit 1; minus strand). Cytogenetic location: 9q31.3.
Variant type: single nucleotide variant.
Coding change: c.2545C>G on transcript NM_003640.5 (MANE Select); coding-DNA position 2545, C replaced by G.
Protein change: p.Pro849Ala; replaces proline 849 with alanine.
Molecular consequence: missense variant.
Genome position (GRCh38, 1-based): chr9:108,896,995, G>C on the plus strand (C>G on the coding strand, the complement: ELP1 is on the minus strand). VCF-style: chr9-108896995-G-C. GRCh37 (hg19) VCF-style: chr9-111659275-G-C.
Other names: c.2545C>G (NM_003640.3); c.2203C>G, p.Pro735Ala (NM_001318360.2); c.1498C>G, p.Pro500Ala (NM_001330749.2); short protein forms P735A, P849A, P500A.
Identifiers: ClinVar variation 1460734 (VCV001460734.7), dbSNP rs34550675, ClinGen allele CA5174606.

ClinVar aggregate classification (germline): Uncertain significance. Review status: criteria provided, multiple submitters, no conflicts (2 of 4 stars). 3 submissions from 3 submitters: Uncertain significance (3). Last evaluated 2025-07-12.

Conditions:
Medulloblastoma (MDB). Also called: Medulloblastoma, somatic; MEDULLOBLASTOMA PREDISPOSITION SYNDROME. Identifiers: Orphanet 616, MedGen C0025149, MeSH D008527, MONDO:0007959, OMIM 155255, HP:0002885.
Familial dysautonomia. Also called: FD; HSAN III. Identifiers: Orphanet 1764, MedGen C0013364, MONDO:0009131, OMIM 223900. Disease mechanism: loss of function.

Allele frequency attached by ClinVar (database versions not stated): ExAC 0.00002; gnomAD 0.00003; TOPMed 0.00005; ESP Exome Variant Server 0.00008.
gnomAD v4.1: 10 of 1,613,886 alleles (0.00062%); highest among the groups gnomAD compares: African/African-American, 0.013%; no homozygotes.

Submissions (3):

Ambry Genetics
Classification: Uncertain significance. Last evaluated: 2025-07-12. Review status: criteria provided, single submitter. Criteria: Ambry Variant Classification Scheme 2023. Collection method: clinical testing. Allele origin: germline.

Fulgent Genetics
Classification: Uncertain significance for Medulloblastoma; Familial dysautonomia. Last evaluated: 2024-04-16. Review status: criteria provided, single submitter. Criteria: ACMG Guidelines, 2015. Collection method: clinical testing. Allele origin: germline.

Labcorp Genetics (formerly Invitae), Labcorp
Classification: Uncertain significance. Last evaluated: 2021-09-01. Review status: criteria provided, single submitter. Criteria: Invitae Variant Classification Sherloc (09022015). Collection method: clinical testing. Allele origin: germline.
Comment: This sequence change replaces proline with alanine at codon 849 of the ELP1 protein (p.Pro849Ala). The proline residue is moderately conserved and there is a small physicochemical difference between proline and alanine. This variant is present in population databases (rs34550675, ExAC 0.02%). This variant has not been reported in the literature in individuals affected with ELP1-related conditions. Algorithms developed to predict the effect of missense changes on protein structure and function are either unavailable or do not agree on the potential impact of this missense change (SIFT: "Tolerated"; PolyPhen-2: "Probably Damaging"; Align-GVGD: "Class C0"). In summary, the available evidence is currently insufficient to determine the role of this variant in disease. Therefore, it has been classified as a Variant of Uncertain Significance.